The following is an entry in ClinVar:

NM_005523.6(HOXA11):c.160G>A (p.Val54Ile)

Genes: HOXA11 (homeobox A11; minus strand), LOC107126281 (NUP98-HOXA11 recombination region; plus strand). Cytogenetic location: 7p15.2.
Variant type: single nucleotide variant.
Coding change: c.160G>A on transcript NM_005523.6 (MANE Select); coding-DNA position 160, G replaced by A.
Protein change: p.Val54Ile; replaces valine 54 with isoleucine.
Molecular consequence: missense variant.
Genome position (GRCh38, 1-based): chr7:27,184,985, C>T on the plus strand (G>A on the coding strand, the complement: HOXA11 is on the minus strand). VCF-style: chr7-27184985-C-T. GRCh37 (hg19) VCF-style: chr7-27224604-C-T.
Other names: short protein forms V54I.
Identifiers: ClinVar variation 5003152 (VCV005003152.1).
Genomic context (GRCh38, chr7:27,184,985, plus strand): 5'-GCCATTTAGTGGCGGGCTCAATGGCGTACTCTCTGAAGGTCACTTCGCGCACGGGTTGGA[C>T]CTGGGGCAGGTTGGAGGAGTAGGAGTATGTCATTGGGCGCGAAGACGGGGTCTGGGGCAG-3'
Protein context (NP_005514.1, residues 44-64): TYSYSSNLPQ[Val54Ile]QPVREVTFRE

ClinVar aggregate classification (germline): Uncertain significance (1 of 4 stars; one submission).

Submission:

OLLIN Analises Genomicas, OLLIN
Classification: Uncertain significance. Last evaluated: 2026-08-06. Review status: criteria provided, single submitter. Criteria: ACMG Guidelines 2015 PMID 25741868. Collection method: clinical testing. Allele origin: germline.
Comment: This missense variant, located in exon 1 (of 2), has been observed in gnomAD with an allele frequency of 0.000062%, but has not been reported in ClinVar or identified in the literature. In silico analysis is inconclusive regarding the impact of this variant. According to the currently available evidence, this variant has been classified as uncertain significance (PM2_P).